The following is an entry in ClinVar:

NM_000441.2(SLC26A4):c.1027G>C (p.Val343Leu)

Gene: SLC26A4 (solute carrier family 26 member 4; plus strand). Cytogenetic location: 7q22.3.
Variant type: single nucleotide variant.
Coding change: c.1027G>C on transcript NM_000441.2 (MANE Select); coding-DNA position 1027, G replaced by C.
Protein change: p.Val343Leu; replaces valine 343 with leucine.
Molecular consequence: missense variant.
Genome position (GRCh38, 1-based): chr7:107,689,078, G>C. VCF-style: chr7-107689078-G-C. GRCh37 (hg19) VCF-style: chr7-107329523-G-C.
Other names: short protein forms V343L.
Identifiers: ClinVar variation 2867731 (VCV002867731.4), dbSNP rs2535317628, ClinGen allele CA368838432.

ClinVar aggregate classification (germline): Conflicting classifications of pathogenicity. Review status: criteria provided, conflicting classifications (1 of 4 stars). 2 submissions from 2 submitters: Likely pathogenic (1); Uncertain significance (1). Last evaluated 2023-12-11.

Conditions:
Autosomal recessive nonsyndromic hearing loss 4 (DFNB4). Also called: Nonsyndromic enlarged vestibular aqueduct (NSEVA); FOXI1-Related Pendred Syndrome; KCNJ10-Related Pendred Syndrome; DEAFNESS, AUTOSOMAL RECESSIVE 4, WITH ENLARGED VESTIBULAR AQUEDUCT, DIGENIC; Deafness, autosomal recessive 4, with enlarged vestibular aqueduct; Enlarged vestibular aqueduct, digenic. Identifiers: Orphanet 90636, MedGen C3538946, MONDO:0010933, OMIM 600791.
Pendred syndrome (PDS). Also called: Pendred Syndrome (PDS); Pendred's syndrome; THYROID DYSHORMONOGENESIS 2B; THYROID HORMONOGENESIS, GENETIC DEFECT IN, 2B; DEAFNESS WITH GOITER; GOITER-DEAFNESS SYNDROME. Identifiers: Orphanet 705, MedGen C0271829, MONDO:0010134, OMIM 274600.

Submissions (2):

Labcorp Genetics (formerly Invitae), Labcorp
Classification: Likely pathogenic. Last evaluated: 2023-12-11. Review status: criteria provided, single submitter. Criteria: Invitae Variant Classification Sherloc (09022015). Collection method: clinical testing. Allele origin: germline.
Comment: This sequence change replaces valine, which is neutral and non-polar, with leucine, which is neutral and non-polar, at codon 343 of the SLC26A4 protein (p.Val343Leu). This variant is not present in population databases (gnomAD no frequency). This missense change has been observed in individual(s) with bilateral sensorineural hearing loss and/or deafness (PMID: 32447495; Invitae). In at least one individual the data is consistent with being in trans (on the opposite chromosome) from a pathogenic variant. Advanced modeling of protein sequence and biophysical properties (such as structural, functional, and spatial information, amino acid conservation, physicochemical variation, residue mobility, and thermodynamic stability) has been performed at Invitae for this missense variant, however the output from this modeling did not meet the statistical confidence thresholds required to predict the impact of this variant on SLC26A4 protein function. In summary, the currently available evidence indicates that the variant is pathogenic, but additional data are needed to prove that conclusively. Therefore, this variant has been classified as Likely Pathogenic.

Department of Pathology and Laboratory Medicine, Sinai Health System
Classification: Uncertain significance for Pendred syndrome; Autosomal recessive nonsyndromic hearing loss 4. Last evaluated: 2023-09-15. Review status: criteria provided, single submitter. Criteria: ACMG Guidelines, 2015. Collection method: research. Allele origin: germline.

Literature cited by the submitters: PubMed 32447495 (cited by Labcorp Genetics (formerly Invitae), Labcorp).